The following is an entry in ClinVar:

ClinVar aggregate classification (germline): Uncertain significance (1 of 4 stars; one submission).

Conditions:
Myeloproliferative neoplasm. Identifiers: Orphanet 98274, MedGen C1292778, MONDO:0020076.

gnomAD v4.1: 2 of 1,607,568 alleles (0.00012%); highest among the groups gnomAD compares: Non-Finnish European, 0.00017%; no homozygotes.

Submission:

Dept of Medical Biology, Uskudar University
Classification: Uncertain significance for Myeloproliferative neoplasm. Last evaluated: 2026-09-16. Review status: criteria provided, single submitter. Criteria: Dept of Medical Biology Variant Classification. Collection method: research. Allele origin: unknown. Affected: yes. Observed: 1 variant allele.
Comment: PM2_supporting: rare in gnomAD v4.1 (2 of 1,455,364 alleles). In silico predictions are discordant (SIFT 0.02 deleterious, low confidence; PolyPhen-2 0.127 benign), so neither PP3 nor BP4 was applied. Classified as uncertain significance under the ACMG/AMP 2015 guidelines (PMID:25741868). Detected in a retrospective series of 256 BCR::ABL1-negative and JAK2 V617F-negative patients referred for molecular investigation of a suspected myeloproliferative neoplasm (May 2007 to January 2015) and re-interpreted under the ACMG/AMP 2015 criteria.

NM_004972.4(JAK2):c.1558G>A (p.Val520Ile)

Genes: INSL6 (insulin like 6; minus strand), JAK2 (Janus kinase 2; plus strand). Cytogenetic location: 9p24.1.
Variant type: single nucleotide variant.
Coding change: c.1558G>A on transcript NM_004972.4 (MANE Select); coding-DNA position 1558, G replaced by A.
Protein change: p.Val520Ile; replaces valine 520 with isoleucine.
Molecular consequence: missense variant. On other transcripts: non-coding transcript variant (2).
Genome position (GRCh38, 1-based): chr9:5,069,969, G>A. VCF-style: chr9-5069969-G-A. GRCh37 (hg19) VCF-style: chr9-5069969-G-A.
Other names: c.1558G>A, p.Val520Ile (NM_001322194.2, NM_001322195.2, NM_001322196.2); c.343G>A, p.Val115Ile (NM_001322198.2, NM_001322199.2); c.1111G>A, p.Val371Ile (NM_001322204.2); short protein forms V115I, V371I, V520I.
Identifiers: ClinVar variation 5036691 (VCV005036691.1).